The following is an entry in ClinVar:

NM_006922.4(SCN3A):c.1330G>A (p.Glu444Lys)

Gene: SCN3A (sodium voltage-gated channel alpha subunit 3; minus strand). Cytogenetic location: 2q24.3.
Variant type: single nucleotide variant.
Coding change: c.1330G>A on transcript NM_006922.4 (MANE Select); coding-DNA position 1330, G replaced by A.
Protein change: p.Glu444Lys; replaces glutamic acid 444 with lysine.
Molecular consequence: missense variant.
Genome position (GRCh38, 1-based): chr2:165,154,502, C>T on the plus strand (G>A on the coding strand, the complement: SCN3A is on the minus strand). VCF-style: chr2-165154502-C-T. GRCh37 (hg19) VCF-style: chr2-166011012-C-T.
Other names: c.1330G>A, p.Glu444Lys (NM_001081676.2, NM_001081677.2); short protein forms E444K.
Identifiers: ClinVar variation 403871 (VCV000403871.18), dbSNP rs771117930, ClinGen allele CA1939192.
Genomic context (GRCh38, chr2:165,154,502, plus strand): 5'-CACTCAGTACCTGAGCTTCTTCCTGTTGCTTTTTAAGCTGTTCGAGCATCTGCTGAAATT[C>T]GGCCTCTTTTTGTTCTGCTTCTTCCAAGGTGGCCTGATTCTGCTCCTCATAGGCCATGGC-3'
Protein context (NP_008853.3, residues 434-454): TLEEAEQKEA[Glu444Lys]FQQMLEQLKK

ClinVar aggregate classification (germline): Uncertain significance. Review status: criteria provided, multiple submitters, no conflicts (2 of 4 stars). 2 submissions from 2 submitters: Uncertain significance (2). Last evaluated 2025-03-01.

Allele frequency attached by ClinVar (database versions not stated): ExAC 0.00001; gnomAD exomes 0.00001; TOPMed 0.00001.
gnomAD v4.1: 9 of 1,614,108 alleles (0.00056%); highest among the groups gnomAD compares: Non-Finnish European, 0.00068%; no homozygotes.

Submissions (2):

CeGaT Center for Human Genetics Tuebingen
Classification: Uncertain significance. Last evaluated: 2025-03-01. Review status: criteria provided, single submitter. Criteria: CeGaT Center For Human Genetics Tuebingen Variant Classification Criteria Version 2. Collection method: clinical testing. Allele origin: germline. Affected: yes. Observed: 1 variant allele.
Comment: SCN3A: PP3

Labcorp Genetics (formerly Invitae), Labcorp
Classification: Uncertain significance. Last evaluated: 2025-02-23. Review status: criteria provided, single submitter. Criteria: Invitae Variant Classification Sherloc (09022015). Collection method: clinical testing. Allele origin: germline.
Comment: This sequence change replaces glutamic acid, which is acidic and polar, with lysine, which is basic and polar, at codon 444 of the SCN3A protein (p.Glu444Lys). This variant is not present in population databases (gnomAD no frequency). This variant has not been reported in the literature in individuals affected with SCN3A-related conditions. ClinVar contains an entry for this variant (Variation ID: 403871). Invitae Evidence Modeling of protein sequence and biophysical properties (such as structural, functional, and spatial information, amino acid conservation, physicochemical variation, residue mobility, and thermodynamic stability) indicates that this missense variant is not expected to disrupt SCN3A protein function with a negative predictive value of 95%. In summary, the available evidence is currently insufficient to determine the role of this variant in disease. Therefore, it has been classified as a Variant of Uncertain Significance.